The following is an entry in ClinVar:

ClinVar aggregate classification (germline): Conflicting classifications of pathogenicity. Review status: criteria provided, conflicting classifications (1 of 4 stars). 4 submissions from 4 submitters: Uncertain significance (2); Likely benign (2). Last evaluated 2026-04-12.

Conditions:
Hereditary cancer-predisposing syndrome. Also called: Hereditary Cancer Syndrome; Tumor predisposition; Hereditary neoplastic syndrome; Neoplastic Syndromes, Hereditary. Identifiers: Orphanet 140162, MedGen C0027672, MeSH D009386, MONDO:0015356.
Tuberous sclerosis 1 (TSC1). Identifiers: Orphanet 805, MedGen C1854465, MONDO:0008612, OMIM 191100.

Allele frequency attached by ClinVar (database versions not stated): gnomAD exomes below 0.00001.
gnomAD v4.1: 4 of 1,614,228 alleles (0.00025%); highest among the groups gnomAD compares: South Asian, 0.0011%; no homozygotes.

Submissions (4):

Ambry Genetics
Classification: Likely benign for Hereditary cancer-predisposing syndrome. Last evaluated: 2026-04-12. Review status: criteria provided, single submitter. Criteria: Ambry Variant Classification Scheme 2023. Collection method: clinical testing. Allele origin: germline.

Sema4
Classification: Uncertain significance for Hereditary cancer-predisposing syndrome. Last evaluated: 2021-05-24. Review status: criteria provided, single submitter. Criteria: Sema4 Curation Guidelines. Collection method: curation. Allele origin: germline.
Comment: The TSC1 c.2311A>G (p.M771V) variant has not been reported in the literature to our knowledge. This variant was observed in 1/113738 chromosomes of the Non-Finnish European subpopulation of the Genome Aggregation Database (PMID: 32461654). This variant has been reported in ClinVar (Variation ID: 385369). In silico tools suggest the impact of the variant on protein function is inconclusive, though these predictions have not been confirmed by functional studies. The overall evidence is insufficient to meet ACMG/AMP criteria for classifying it as benign or pathogenic. In summary, the clinical significance of this variant is currently uncertain.

Labcorp Genetics (formerly Invitae), Labcorp
Classification: Uncertain significance for Tuberous sclerosis 1. Last evaluated: 2020-11-06. Review status: criteria provided, single submitter. Criteria: Invitae Variant Classification Sherloc (09022015). Collection method: clinical testing. Allele origin: germline.
Comment: In summary, the available evidence is currently insufficient to determine the role of this variant in disease. Therefore, it has been classified as a Variant of Uncertain Significance. Algorithms developed to predict the effect of missense changes on protein structure and function output the following: SIFT: "Tolerated"; PolyPhen-2: "Benign"; Align-GVGD: "Class C0". The valine amino acid residue is found in multiple mammalian species, suggesting that this missense change does not adversely affect protein function. These predictions have not been confirmed by published functional studies and their clinical significance is uncertain. This variant has not been reported in the literature in individuals with TSC1-related conditions. ClinVar contains an entry for this variant (Variation ID: 385369). This variant is not present in population databases (ExAC no frequency). This sequence change replaces methionine with valine at codon 771 of the TSC1 protein (p.Met771Val). The methionine residue is weakly conserved and there is a small physicochemical difference between methionine and valine.

GeneDx
Classification: Likely benign. Last evaluated: 2016-04-14. Review status: criteria provided, single submitter. Criteria: GeneDx Variant Classification (06012015). Collection method: clinical testing. Allele origin: germline. Affected: yes.
Comment: This variant is considered likely benign or benign based on one or more of the following criteria: it is a conservative change, it occurs at a poorly conserved position in the protein, it is predicted to be benign by multiple in silico algorithms, and/or has population frequency not consistent with disease.

NM_000368.5(TSC1):c.2311A>G (p.Met771Val)

Gene: TSC1 (TSC complex subunit 1; minus strand). Cytogenetic location: 9q34.13.
Variant type: single nucleotide variant.
Coding change: c.2311A>G on transcript NM_000368.5 (MANE Select); coding-DNA position 2311, A replaced by G.
Protein change: p.Met771Val; replaces methionine 771 with valine.
Molecular consequence: missense variant.
Genome position (GRCh38, 1-based): chr9:132,902,685, T>C on the plus strand (A>G on the coding strand, the complement: TSC1 is on the minus strand). VCF-style: chr9-132902685-T-C. GRCh37 (hg19) VCF-style: chr9-135778072-T-C.
Other names: c.2308A>G, p.Met770Val (NM_001162426.2); c.2158A>G, p.Met720Val (NM_001162427.2); c.1948A>G, p.Met650Val (NM_001362177.2); short protein forms M771V, M650V, M720V, M770V.
Identifiers: ClinVar variation 385369 (VCV000385369.11), dbSNP rs1057522203, ClinGen allele CA16605547.